The following is an entry in ClinVar:

ClinVar aggregate classification (germline): Uncertain significance (1 of 4 stars; one submission).

Submission:

Women's Health and Genetics/Laboratory Corporation of America, LabCorp
Classification: Uncertain significance. Last evaluated: 2020-04-03. Review status: criteria provided, single submitter. Criteria: LabCorp Variant Classification Summary - May 2015. Collection method: clinical testing. Allele origin: germline.
Comment: Variant summary: BRCA2 c.6938-13A>C alters a non-conserved nucleotide located close to a canonical splice site and therefore could affect mRNA splicing, leading to a significantly altered protein sequence. 4/4 computational tools predict no significant impact on normal splicing. However, these predictions have yet to be confirmed by functional studies. The variant was absent in 244154 control chromosomes (gnomAD). The available data on variant occurrences in the general population are insufficient to allow any conclusion about variant significance. To our knowledge, no occurrence of c.6938-13A>C in individuals affected with Hereditary Breast and Ovarian Cancer and no experimental evidence demonstrating its impact on protein function have been reported. No clinical diagnostic laboratories have submitted clinical-significance assessments for this variant to ClinVar after 2014. Based on the evidence outlined above, the variant was classified as VUS-possibly benign.

NM_000059.4(BRCA2):c.6938-13A>C

Gene: BRCA2 (BRCA2 DNA repair associated; plus strand). Cytogenetic location: 13q13.1.
Variant type: single nucleotide variant.
Coding change: c.6938-13A>C on transcript NM_000059.4 (MANE Select); 13 bases into the intron before coding-DNA position 6938, A replaced by C.
Molecular consequence: intron variant.
Genome position (GRCh38, 1-based): chr13:32,346,814, A>C. VCF-style: chr13-32346814-A-C. GRCh37 (hg19) VCF-style: chr13-32920951-A-C.
Identifiers: ClinVar variation 917797 (VCV000917797.1), dbSNP rs2072613692, ClinGen allele CA1139663149.